The following is an entry in ClinVar:

NM_015459.5(ATL3):c.1392A>G (p.Ile464Met)

Genes: ATL3 (atlastin GTPase 3; minus strand), LNCROPM (lncRNA regulator of PLAAT3 mediated phospholipid metabolism; plus strand). Cytogenetic location: 11q13.1.
Variant type: single nucleotide variant.
Coding change: c.1392A>G on transcript NM_015459.5 (MANE Select); coding-DNA position 1392, A replaced by G.
Protein change: p.Ile464Met; replaces isoleucine 464 with methionine.
Molecular consequence: missense variant.
Genome position (GRCh38, 1-based): chr11:63,631,187, T>C on the plus strand (A>G on the coding strand, the complement: ATL3 is on the minus strand). VCF-style: chr11-63631187-T-C. GRCh37 (hg19) VCF-style: chr11-63398659-T-C.
Other names: c.1338A>G, p.Ile446Met (NM_001290048.2); short protein forms I446M, I464M.
Identifiers: ClinVar variation 656136 (VCV000656136.12), dbSNP rs376091022, ClinGen allele CA6063527.

ClinVar aggregate classification (germline): Uncertain significance. Review status: criteria provided, single submitter (1 of 4 stars). 3 submissions from 3 submitters: Uncertain significance (1). 2 of the submissions do not count toward it. Last evaluated 2023-08-17.

Conditions:
Neuropathy, hereditary sensory, type 1F. Also called: Hereditary sensory neuropathy type IF; HSN IF. Identifiers: Orphanet 36386, MedGen C3810194, MONDO:0014286, OMIM 615632.
Charcot-Marie-Tooth disease axonal type 2N (CMT2N). Also called: CHARCOT-MARIE-TOOTH DISEASE, AXONAL, AUTOSOMAL DOMINANT, TYPE 2N; CHARCOT-MARIE-TOOTH NEUROPATHY, AXONAL, TYPE 2N; Charcot-Marie-Tooth Neuropathy Type 2N. Identifiers: Orphanet 228174, MedGen C2750090, MONDO:0013212, OMIM 613287.

Allele frequency attached by ClinVar (database versions not stated): gnomAD exomes below 0.00001; gnomAD 0.00001; TOPMed 0.00001; ExAC 0.00002; ESP Exome Variant Server 0.00016.
gnomAD v4.1: 2 of 1,614,046 alleles (0.00012%); highest among the groups gnomAD compares: African/African-American, 0.0027%; no homozygotes.

Submissions (3):

Labcorp Genetics (formerly Invitae), Labcorp
Classification: Uncertain significance for Neuropathy, hereditary sensory, type 1F. Last evaluated: 2023-08-17. Review status: criteria provided, single submitter. Criteria: Invitae Variant Classification Sherloc (09022015). Collection method: clinical testing. Allele origin: germline.
Comment: In summary, the available evidence is currently insufficient to determine the role of this variant in disease. Therefore, it has been classified as a Variant of Uncertain Significance. Advanced modeling of protein sequence and biophysical properties (such as structural, functional, and spatial information, amino acid conservation, physicochemical variation, residue mobility, and thermodynamic stability) performed at Invitae indicates that this missense variant is not expected to disrupt ATL3 protein function. ClinVar contains an entry for this variant (Variation ID: 656136). This variant has not been reported in the literature in individuals affected with ATL3-related conditions. This variant is present in population databases (rs376091022, gnomAD 0.007%). This sequence change replaces isoleucine, which is neutral and non-polar, with methionine, which is neutral and non-polar, at codon 464 of the ATL3 protein (p.Ile464Met).

Inherited Neuropathy Consortium Ii, University Of Miami
Classification: Uncertain significance for Charcot-Marie-Tooth disease axonal type 2N. Last evaluated: 2018-08-02. Review status: no assertion criteria provided. Collection method: literature only. Allele origin: germline. Affected: yes. Not counted in ClinVar's aggregate classification.

Inherited Neuropathy Consortium
Classification: Uncertain significance. Review status: no assertion criteria provided. Collection method: provider interpretation. Allele origin: inherited. Affected: yes. Not counted in ClinVar's aggregate classification.

Literature cited by the submitters: PubMed 21494555 (cited by Inherited Neuropathy Consortium Ii, University Of Miami).